The following is an entry in ClinVar:

NM_000186.4(CFH):c.2333G>C (p.Arg778Thr)

Gene: CFH (complement factor H; plus strand). Cytogenetic location: 1q31.3.
Variant type: single nucleotide variant.
Coding change: c.2333G>C on transcript NM_000186.4 (MANE Select); coding-DNA position 2333, G replaced by C.
Protein change: p.Arg778Thr; replaces arginine 778 with threonine.
Molecular consequence: missense variant.
Genome position (GRCh38, 1-based): chr1:196,728,442, G>C. VCF-style: chr1-196728442-G-C. GRCh37 (hg19) VCF-style: chr1-196697572-G-C.
Other names: short protein forms R778T.
Identifiers: ClinVar variation 4291469 (VCV004291469.1).

ClinVar aggregate classification (germline): Uncertain significance (1 of 4 stars; one submission).

Conditions:
Atypical hemolytic-uremic syndrome. Identifiers: Orphanet 2134, MedGen C2931788, MONDO:0016244.
Basal laminar drusen. Also called: DRUSEN OF BRUCH MEMBRANE; DRUSEN, CUTICULAR; DRUSEN, EARLY ADULT-ONSET, GROUPED. Identifiers: Orphanet 75376, MedGen C0730295, MONDO:0007472, OMIM 126700.
Factor H deficiency (CFHD). Also called: COMPLEMENT FACTOR H DEFICIENCY; CFH DEFICIENCY. Identifiers: Orphanet 200421, MedGen C0398777, MONDO:0012350, OMIM 609814.
Age related macular degeneration 4. Identifiers: MedGen C1853147, MONDO:0012540, OMIM 610698.

gnomAD v4.1: 3 of 1,611,894 alleles (0.00019%); highest among the groups gnomAD compares: Non-Finnish European, 0.00025%; no homozygotes.

Submission:

Genomenon, Inc
Classification: Uncertain significance for Basal laminar drusen; Age related macular degeneration 4; Atypical hemolytic-uremic syndrome; Factor H deficiency. Last evaluated: 2025-10-02. Review status: criteria provided, single submitter. Criteria: Genomenon Sequence Variant Interpretation Standards - Updated. Collection method: curation. Allele origin: germline. Affected: no.
Comment: CFH p.Arg778Thr (c.2333G>C) is a missense variant that changes the amino acid at residue 778 from Arginine to Threonine. This variant has been reported in the published literature (PMID:36211394). It is absent or not present at a significant frequency in gnomAD. In silico models agree that this variant is not damaging. In conclusion, we classify CFH p.Arg778Thr (c.2333G>C) as a variant of uncertain significance.

Literature cited by the submitters: PubMed 36211394.